The following is an entry in ClinVar:

NM_001267550.2(TTN):c.98237G>A (p.Ser32746Asn)

Genes: TTN (titin; minus strand), TTN-AS1 (TTN antisense RNA 1; plus strand). Cytogenetic location: 2q31.2.
Variant type: single nucleotide variant.
Coding change: c.98237G>A on transcript NM_001267550.2 (MANE Select); coding-DNA position 98237, G replaced by A.
Protein change: p.Ser32746Asn; replaces serine 32746 with asparagine.
Molecular consequence: missense variant. On other transcripts: non-coding transcript variant (1).
Genome position (GRCh38, 1-based): chr2:178,539,828, C>T on the plus strand (G>A on the coding strand, the complement: TTN is on the minus strand). VCF-style: chr2-178539828-C-T. GRCh37 (hg19) VCF-style: chr2-179404555-C-T.
Other names: p.Ser30178Asn; c.93314G>A, p.Ser31105Asn (NM_001256850.1); c.71042G>A, p.Ser23681Asn (NM_003319.4); c.90533G>A, p.Ser30178Asn (NM_133378.4); c.71417G>A, p.Ser23806Asn (NM_133432.3); c.71618G>A, p.Ser23873Asn (NM_133437.4); short protein forms S32746N, S23806N, S31105N, S23681N, S23873N, S30178N.
Identifiers: ClinVar variation 535349 (VCV000535349.4), dbSNP rs1410694267, ClinGen allele CA349433213.
Genomic context (GRCh38, chr2:178,539,828, plus strand): 5'-TCTGCTTCTTTGATCACAAGCTCAGTGTGTGTTTCAGATGTTGCAATCATGGCACGCTTA[C>T]TAATATCCTGGCCTTCCTTGGTCCATTTACATATTGGGAATGGTTTTCCTTTGATTGGTA-3'
Protein context (NP_001254479.2, residues 32736-32756): CKWTKEGQDI[Ser32746Asn]KRAMIATSET

ClinVar aggregate classification (germline): Uncertain significance. Review status: criteria provided, multiple submitters, no conflicts (2 of 4 stars). 2 submissions from 2 submitters: Uncertain significance (2). Last evaluated 2025-01-02.

Conditions:
Autosomal recessive limb-girdle muscular dystrophy type 2J (LGMDR10). Also called: Limb-girdle muscular dystrophy, type 2J; MUSCULAR DYSTROPHY, LIMB-GIRDLE, AUTOSOMAL RECESSIVE 10. Identifiers: Orphanet 140922, MedGen C1837342, MONDO:0012127, OMIM 608807.
Dilated cardiomyopathy 1G (CMD1G). Identifiers: Orphanet 154, MedGen C1858763, MONDO:0011400, OMIM 604145.

Allele frequency attached by ClinVar (database versions not stated): gnomAD 0.00001; gnomAD exomes 0.00001; TOPMed 0.00001.
gnomAD v4.1: 21 of 1,613,756 alleles (0.0013%); highest among the groups gnomAD compares: South Asian, 0.0022%; no homozygotes.

Submissions (2):

Mayo Clinic Laboratories, Mayo Clinic
Classification: Uncertain significance. Last evaluated: 2025-01-02. Review status: criteria provided, single submitter. Criteria: ACMG Guidelines, 2015. Collection method: clinical testing. Allele origin: germline. Observed: 1 variant allele.
Comment: BP4

Labcorp Genetics (formerly Invitae), Labcorp
Classification: Uncertain significance for Dilated cardiomyopathy 1G; Autosomal recessive limb-girdle muscular dystrophy type 2J. Last evaluated: 2018-01-05. Review status: criteria provided, single submitter. Criteria: Invitae Variant Classification Sherloc (09022015). Collection method: clinical testing. Allele origin: germline.